The following is an entry in ClinVar:

NM_001374828.1(ARID1B):c.852G>A (p.Glu284=)

Genes: ARID1B (AT-rich interaction domain 1B; plus strand), LOC129997525 (ATAC-STARR-seq lymphoblastoid silent region 17712; plus strand). Cytogenetic location: 6q25.3.
Variant type: single nucleotide variant.
Coding change: c.852G>A on transcript NM_001374828.1 (MANE Select); coding-DNA position 852, G replaced by A.
Protein change: p.Glu284=; no amino-acid change (glutamic acid 284 retained).
Molecular consequence: synonymous variant.
Genome position (GRCh38, 1-based): chr6:156,778,532, G>A. VCF-style: chr6-156778532-G-A. GRCh37 (hg19) VCF-style: chr6-157099666-G-A.
Other names: c.603G>A (NM_020732.3); c.852G>A, p.Glu284= (NM_001371656.1, NM_001374820.1, NM_017519.3).
Identifiers: ClinVar variation 1230590 (VCV001230590.36), dbSNP rs564924707, ClinGen allele CA150802740.
Genomic context (GRCh38, chr6:156,778,532, plus strand): 5'-GCCGGGCGACGAGGACGACGCGCCGCCCAAGATGGGGGAGCCGGCGGGCGGCCGCTACGA[G>A]CACCCGGGCTTGGGCGCCCTGGGCACGCAGCAGCCGCCGGTCGCCGTGCCCGGGGGCGGC-3'
Protein context (NP_001361757.1, residues 274-294): KMGEPAGGRY[Glu284=]HPGLGALGTQ

ClinVar aggregate classification (germline): Benign/Likely benign. Review status: criteria provided, multiple submitters, no conflicts (2 of 4 stars). 6 submissions from 6 submitters: Benign (1); Likely benign (4). 1 of the submissions does not count toward it. Last evaluated 2025-08-03.

Conditions:
Inborn genetic diseases. Identifiers: MedGen C0950123, MeSH D030342.
ARID1B-Related Disorder. Identifiers: MedGen CN381337.

Allele frequency attached by ClinVar (database versions not stated): 1000 Genomes Project 30x 0.00062; gnomAD 0.00075 and 0.00085; TOPMed 0.00089; 1000 Genomes Project 0.00020.
gnomAD v4.1: 177 of 1,232,070 alleles (0.014%); highest among the groups gnomAD compares: African/African-American, 0.22%; no homozygotes.

Submissions (6):

Labcorp Genetics (formerly Invitae), Labcorp
Classification: Likely benign. Last evaluated: 2025-08-03. Review status: criteria provided, single submitter. Criteria: Invitae Variant Classification Sherloc (09022015). Collection method: clinical testing. Allele origin: germline.

Blueprint Genetics
Classification: Likely benign. Last evaluated: 2024-10-16. Review status: criteria provided, single submitter. Criteria: ACMG Guidelines, 2015. Collection method: clinical testing. Allele origin: germline.

CeGaT Center for Human Genetics Tuebingen
Classification: Likely benign. Last evaluated: 2023-12-01. Review status: criteria provided, single submitter. Criteria: CeGaT Center For Human Genetics Tuebingen Variant Classification Criteria Version 2. Collection method: clinical testing. Allele origin: germline. Affected: yes. Observed: 2 variant alleles.
Comment: ARID1B: BP4, BP7, BS1

GeneDx
Classification: Benign. Last evaluated: 2020-04-08. Review status: criteria provided, single submitter. Criteria: GeneDx Variant Classification Process June 2021. Collection method: clinical testing. Allele origin: germline. Affected: yes.

Ambry Genetics
Classification: Likely benign for Inborn genetic diseases. Last evaluated: 2018-10-09. Review status: criteria provided, single submitter. Criteria: Ambry Variant Classification Scheme 2023. Collection method: clinical testing. Allele origin: germline.

PreventionGenetics, part of Exact Sciences
Classification: Likely benign for ARID1B-related condition. Last evaluated: 2020-02-04. Review status: no assertion criteria provided. Collection method: clinical testing. Allele origin: germline. Not counted in ClinVar's aggregate classification.
Comment: This variant is classified as likely benign based on ACMG/AMP sequence variant interpretation guidelines (Richards et al. 2015 PMID: 25741868, with internal and published modifications).